The following is an entry in ClinVar:

ClinVar aggregate classification (germline): Pathogenic/Likely pathogenic. Review status: criteria provided, multiple submitters, no conflicts (2 of 4 stars). 2 submissions from 2 submitters: Pathogenic (1); Likely pathogenic (1). Last evaluated 2024-06-23.

Conditions:
Leukoencephalopathy with vanishing white matter 5 (VWM5). Also called: Leukoencephalopathy with vanishing white matter 5, with or without ovarian failure; EIF2B5-Related Childhood Ataxia with Central Nervous System Hypomyelination/Vanishing White Matter. Identifiers: MedGen C5779973, MONDO:0957873, OMIM 620315.

Submissions (2):

Fulgent Genetics
Classification: Likely pathogenic for Leukoencephalopathy with vanishing white matter 5. Last evaluated: 2024-06-23. Review status: criteria provided, single submitter. Criteria: ACMG Guidelines, 2015. Collection method: clinical testing. Allele origin: germline.

Labcorp Genetics (formerly Invitae), Labcorp
Classification: Pathogenic. Last evaluated: 2022-05-20. Review status: criteria provided, single submitter. Criteria: Invitae Variant Classification Sherloc (09022015). Collection method: clinical testing. Allele origin: germline.
Comment: For these reasons, this variant has been classified as Pathogenic. This variant has not been reported in the literature in individuals affected with EIF2B5-related conditions. This variant is present in population databases (rs760254122, gnomAD 0.0009%). This sequence change creates a premature translational stop signal (p.Leu654*) in the EIF2B5 gene. It is expected to result in an absent or disrupted protein product. Loss-of-function variants in EIF2B5 are known to be pathogenic (PMID: 11704758, 15060152, 21307862).

Literature cited by the submitters: PubMed 11704758 (cited by Labcorp Genetics (formerly Invitae), Labcorp); PubMed 15060152 (cited by Labcorp Genetics (formerly Invitae), Labcorp); PubMed 21307862 (cited by Labcorp Genetics (formerly Invitae), Labcorp).

NM_003907.3(EIF2B5):c.1960del (p.Phe653_Leu654insTer)

Gene: EIF2B5 (eukaryotic translation initiation factor 2B subunit epsilon; plus strand). Cytogenetic location: 3q27.1.
Variant type: Deletion.
Coding change: c.1960del on transcript NM_003907.3 (MANE Select); coding-DNA position 1960, one base deleted (C; older notation c.1960delC).
Protein change: p.Phe653_Leu654insTer.
Molecular consequence: nonsense.
Genome position (GRCh38, 1-based): chr3:184,144,189, C deleted; the last of 2 consecutive C bases (chr3:184,144,188-184,144,189); deleting either gives the same sequence. VCF-style (leftmost placement, unchanged base first): chr3-184144187-TC-T. GRCh37 (hg19) VCF-style: chr3-183861975-TC-T.
Identifiers: ClinVar variation 1996707 (VCV001996707.5), dbSNP rs760254122, ClinGen allele CA2726855.